The following is an entry in ClinVar:

NM_001048174.2(MUTYH):c.196A>G (p.Thr66Ala)

Gene: MUTYH (mutY DNA glycosylase; minus strand). Cytogenetic location: 1p34.1.
Variant type: single nucleotide variant.
Coding change: c.196A>G on transcript NM_001048174.2 (MANE Select); coding-DNA position 196, A replaced by G.
Protein change: p.Thr66Ala; replaces threonine 66 with alanine.
Molecular consequence: missense variant. On other transcripts: 5 prime UTR variant (6), non-coding transcript variant (7).
Genome position (GRCh38, 1-based): chr1:45,333,481, T>C on the plus strand (A>G on the coding strand, the complement: MUTYH is on the minus strand). VCF-style: chr1-45333481-T-C. GRCh37 (hg19) VCF-style: chr1-45799153-T-C.
Other names: c.196A>G, p.Thr66Ala (NM_001048171.2, NM_001048173.2, NM_001293195.2 and 6 more transcripts); c.199A>G, p.Thr67Ala (NM_001048172.2, NM_001407071.1, NM_001407078.1 and 2 more transcripts); c.280A>G, p.Thr94Ala (NM_001128425.2); c.241A>G, p.Thr81Ala (NM_001293190.2); c.229A>G, p.Thr77Ala (NM_001293191.2, NM_001407077.1); c.-81A>G (NM_001293192.2, NM_001293196.2, NM_001407091.1); c.-76A>G (NM_001350650.2, NM_001350651.2, NM_001407082.1); c.271A>G, p.Thr91Ala (NM_001407069.1, NM_012222.3); and 3 more; short protein forms T38A, T66A, T81A, T91A, T94A, T67A, T73A, T77A.
Identifiers: ClinVar variation 4113574 (VCV004113574.1).

ClinVar aggregate classification (germline): Uncertain significance (1 of 4 stars; one submission).

Conditions:
Hereditary cancer-predisposing syndrome. Also called: Hereditary neoplastic syndrome; Neoplastic Syndromes, Hereditary; Tumor predisposition; Hereditary Cancer Syndrome. Identifiers: Orphanet 140162, MedGen C0027672, MeSH D009386, MONDO:0015356.

Submission:

Ambry Genetics
Classification: Uncertain significance for Hereditary cancer-predisposing syndrome. Last evaluated: 2025-08-27. Review status: criteria provided, single submitter. Criteria: Ambry Variant Classification Scheme 2023. Collection method: clinical testing. Allele origin: germline.
Comment: The p.T94A variant (also known as c.280A>G), located in coding exon 3 of the MUTYH gene, results from an A to G substitution at nucleotide position 280. The threonine at codon 94 is replaced by alanine, an amino acid with similar properties. This amino acid position is conserved. In addition, this alteration is predicted to be tolerated by in silico analysis. Based on the available evidence, the clinical significance of this variant remains unclear.